The following is an entry in ClinVar:

ClinVar aggregate classification (germline): Uncertain significance (1 of 4 stars; one submission).

Submission:

Labcorp Genetics (formerly Invitae), Labcorp
Classification: Uncertain significance. Last evaluated: 2025-01-13. Review status: criteria provided, single submitter. Criteria: Invitae Variant Classification Sherloc (09022015). Collection method: clinical testing. Allele origin: germline.
Comment: This sequence change creates a premature translational stop signal (p.Gln109*) in the THBD gene. While this is not anticipated to result in nonsense mediated decay, it is expected to disrupt the last 467 amino acid(s) of the THBD protein. This variant is not present in population databases (gnomAD no frequency). This variant has not been reported in the literature in individuals affected with THBD-related conditions. Experimental studies and prediction algorithms are not available or were not evaluated, and the functional significance of this variant is currently unknown. In summary, the available evidence is currently insufficient to determine the role of this variant in disease. Therefore, it has been classified as a Variant of Uncertain Significance.

NM_000361.3(THBD):c.325C>T (p.Gln109Ter)

Gene: THBD (thrombomodulin; minus strand). Cytogenetic location: 20p11.21.
Variant type: single nucleotide variant.
Coding change: c.325C>T on transcript NM_000361.3 (MANE Select); coding-DNA position 325, C replaced by T.
Protein change: p.Gln109Ter; replaces glutamine 109 with a stop codon.
Molecular consequence: nonsense.
Genome position (GRCh38, 1-based): chr20:23,049,180, G>A on the plus strand (C>T on the coding strand, the complement: THBD is on the minus strand). VCF-style: chr20-23049180-G-A. GRCh37 (hg19) VCF-style: chr20-23029817-G-A.
Other names: short protein forms Q109*.
Identifiers: ClinVar variation 3728936 (VCV003728936.2).
Genomic context (GRCh38, chr20:23,049,180, plus strand): 5'-CATTGAGGTCGAGCCGTGCCCACCTGCTATAGCTGGTGTTGTTGTCTCCCGTAACCCACT[G>A]GAAGCCGCGCAGGGGCCCGAGGCGCTTGGGGTCGCCGCAGCCGGGTGGCAGCTGCAGGCC-3'